The following is an entry in ClinVar:

NM_000138.5(FBN1):c.97A>G (p.Asn33Asp)

Gene: FBN1 (fibrillin 1; minus strand). Cytogenetic location: 15q21.1.
Variant type: single nucleotide variant.
Coding change: c.97A>G on transcript NM_000138.5 (MANE Select); coding-DNA position 97, A replaced by G.
Protein change: p.Asn33Asp; replaces asparagine 33 with aspartic acid.
Molecular consequence: missense variant.
Genome position (GRCh38, 1-based): chr15:48,644,673, T>C on the plus strand (A>G on the coding strand, the complement: FBN1 is on the minus strand). VCF-style: chr15-48644673-T-C. GRCh37 (hg19) VCF-style: chr15-48936870-T-C.
Other names: c.97A>G, p.Asn33Asp (NM_001406716.1, NM_001406717.1, NM_001406718.1); short protein forms N33D.
Identifiers: ClinVar variation 4787982 (VCV004787982.1).

ClinVar aggregate classification (germline): Uncertain significance (1 of 4 stars; one submission).

Conditions:
Marfan syndrome (MFS). Also called: FBN1-Related Marfan Syndrome; MARFAN SYNDROME, TYPE I; Marfan syndrome type 1; Marfan's syndrome; Marfan syndrome, classic. Identifiers: Orphanet 284963, Orphanet 558, MedGen C0024796, MONDO:0007947, OMIM 154700.
Familial thoracic aortic aneurysm and aortic dissection (TAAD). Also called: Thoracic aortic aneurysms and dissections. Identifiers: Orphanet 91387, MedGen C4707243, MONDO:0019625.

gnomAD v4.1: 1 of 1,614,180 alleles (0.000062%); no homozygotes.

Submission:

Labcorp Genetics (formerly Invitae), Labcorp
Classification: Uncertain significance for Marfan syndrome; Familial thoracic aortic aneurysm and aortic dissection. Last evaluated: 2025-10-27. Review status: criteria provided, single submitter. Criteria: Invitae Variant Classification Sherloc (09022015). Collection method: clinical testing. Allele origin: germline.
Comment: This sequence change replaces asparagine, which is neutral and polar, with aspartic acid, which is acidic and polar, at codon 33 of the FBN1 protein (p.Asn33Asp). This variant is not present in population databases (gnomAD no frequency). This variant has not been reported in the literature in individuals affected with FBN1-related conditions. Invitae Evidence Modeling of protein sequence and biophysical properties (such as structural, functional, and spatial information, amino acid conservation, physicochemical variation, residue mobility, and thermodynamic stability) indicates that this missense variant is not expected to disrupt FBN1 protein function with a negative predictive value of 95%. In summary, the available evidence is currently insufficient to determine the role of this variant in disease. Therefore, it has been classified as a Variant of Uncertain Significance.